The following is an entry in ClinVar:

ClinVar aggregate classification (germline): Uncertain significance (1 of 4 stars; one submission).

Allele frequency attached by ClinVar (database versions not stated): ExAC 0.00001; gnomAD exomes 0.00001.
gnomAD v4.1: 9 of 1,613,892 alleles (0.00056%); highest among the groups gnomAD compares: African/African-American, 0.0013%; no homozygotes.

Submission:

Labcorp Genetics (formerly Invitae), Labcorp
Classification: Uncertain significance. Last evaluated: 2022-12-10. Review status: criteria provided, single submitter. Criteria: Invitae Variant Classification Sherloc (09022015). Collection method: clinical testing. Allele origin: germline.
Comment: In summary, the available evidence is currently insufficient to determine the role of this variant in disease. Therefore, it has been classified as a Variant of Uncertain Significance. Advanced modeling of protein sequence and biophysical properties (such as structural, functional, and spatial information, amino acid conservation, physicochemical variation, residue mobility, and thermodynamic stability) has been performed at Invitae for this missense variant, however the output from this modeling did not meet the statistical confidence thresholds required to predict the impact of this variant on KMT2A protein function. This variant has not been reported in the literature in individuals affected with KMT2A-related conditions. This variant is present in population databases (rs781990501, gnomAD 0.0009%). This sequence change replaces arginine, which is basic and polar, with tryptophan, which is neutral and slightly polar, at codon 3824 of the KMT2A protein (p.Arg3824Trp).

NM_001197104.2(KMT2A):c.11470C>T (p.Arg3824Trp)

Genes: KMT2A (lysine methyltransferase 2A; plus strand), TTC36-AS1 (TTC36 and KMT2A antisense RNA 1; minus strand). Cytogenetic location: 11q23.3.
Variant type: single nucleotide variant.
Coding change: c.11470C>T on transcript NM_001197104.2 (MANE Select); coding-DNA position 11470, C replaced by T.
Protein change: p.Arg3824Trp; replaces arginine 3824 with tryptophan.
Molecular consequence: missense variant.
Genome position (GRCh38, 1-based): chr11:118,520,842, C>T. VCF-style: chr11-118520842-C-T. GRCh37 (hg19) VCF-style: chr11-118391557-C-T.
Other names: c.11560C>T, p.Arg3854Trp (NM_001412597.1); c.11461C>T, p.Arg3821Trp (NM_005933.4); short protein forms R3821W, R3824W, R3854W.
Identifiers: ClinVar variation 2735765 (VCV002735765.3), dbSNP rs781990501, ClinGen allele CA6304979.